The following is an entry in ClinVar:

ClinVar aggregate classification (germline): Uncertain significance (1 of 4 stars; one submission).

Conditions:
Epidermolysis bullosa simplex 3, localized or generalized intermediate, with BP230 deficiency (EBS3). Also called: Epidermolysis bullosa simplex due to BP230 deficiency; Epidermolysis bullosa simplex, autosomal recessive 2. Identifiers: Orphanet 412181, MedGen C3809470, MONDO:0014180, OMIM 615425.
Hereditary sensory and autonomic neuropathy type 6. Also called: HSAN VI; Neuropathy, hereditary sensory and autonomic, type VI. Identifiers: Orphanet 314381, MedGen C3539003, MONDO:0013839, OMIM 614653.

Allele frequency attached by ClinVar (database versions not stated): TOPMed 0.00002; gnomAD 0.00004; gnomAD exomes 0.00004; ExAC 0.00007.
gnomAD v4.1: 63 of 1,613,864 alleles (0.0039%); highest among the groups gnomAD compares: Non-Finnish European, 0.0049%; no homozygotes.

Submission:

Labcorp Genetics (formerly Invitae), Labcorp
Classification: Uncertain significance for Epidermolysis bullosa simplex 3, localized or generalized intermediate, with BP230 deficiency; Hereditary sensory and autonomic neuropathy type 6. Last evaluated: 2022-08-16. Review status: criteria provided, single submitter. Criteria: Invitae Variant Classification Sherloc (09022015). Collection method: clinical testing. Allele origin: germline.
Comment: This sequence change replaces arginine, which is basic and polar, with isoleucine, which is neutral and non-polar, at codon 1485 of the DST protein (p.Arg1485Ile). This variant is present in population databases (rs777768790, gnomAD 0.009%). This variant has not been reported in the literature in individuals affected with DST-related conditions. ClinVar contains an entry for this variant (Variation ID: 581612). Algorithms developed to predict the effect of missense changes on protein structure and function (SIFT, PolyPhen-2, Align-GVGD) all suggest that this variant is likely to be disruptive. In summary, the available evidence is currently insufficient to determine the role of this variant in disease. Therefore, it has been classified as a Variant of Uncertain Significance.

NM_001723.7(DST):c.4454G>T (p.Arg1485Ile)

Gene: DST (dystonin; minus strand). Cytogenetic location: 6p12.1.
Variant type: single nucleotide variant.
Coding change: c.4454G>T on transcript NM_001723.7 (MANE Plus Clinical); coding-DNA position 4454, G replaced by T.
Protein change: p.Arg1485Ile; replaces arginine 1485 with isoleucine.
Molecular consequence: missense variant. On other transcripts: intron variant (10).
Genome position (GRCh38, 1-based): chr6:56,619,580, C>A on the plus strand (G>T on the coding strand, the complement: DST is on the minus strand). VCF-style: chr6-56619580-C-A. GRCh37 (hg19) VCF-style: chr6-56484378-C-A.
Other names: c.4830+4950G>T (NM_001144769.5); c.4929+4950G>T (NM_001374722.1, NM_001374736.1); c.4956+4950G>T (NM_001374734.1); c.4416+4950G>T (NM_001144770.2); c.4296+4950G>T (NM_001374730.1, NM_001386100.1, NM_183380.4 and 1 more transcripts); c.3318+4950G>T (NM_015548.5); short protein forms R1485I.
Identifiers: ClinVar variation 581612 (VCV000581612.9), dbSNP rs777768790, ClinGen allele CA3870526.